The following is an entry in ClinVar:

ClinVar aggregate classification (germline): Uncertain significance (1 of 4 stars; one submission).

Conditions:
Hereditary pancreatitis (PCTT). Also called: Hereditary chronic pancreatitis; PRSS1-Related Hereditary Pancreatitis. Identifiers: Orphanet 676, MedGen C0238339, MONDO:0008185, OMIM 167800.

Submission:

Ambry Genetics
Classification: Uncertain significance for Hereditary pancreatitis. Last evaluated: 2025-07-28. Review status: criteria provided, single submitter. Criteria: Ambry Variant Classification Scheme 2023. Collection method: clinical testing. Allele origin: germline.
Comment: The p.A61E variant (also known as c.182C>A), located in coding exon 2 of the PRSS1 gene, results from a C to A substitution at nucleotide position 182. The alanine at codon 61 is replaced by glutamic acid, an amino acid with dissimilar properties. This amino acid position is conserved. In addition, this alteration is predicted to be deleterious by in silico analysis. Based on the available evidence, the clinical significance of this variant remains unclear.

NM_002769.5(PRSS1):c.182C>A (p.Ala61Glu)

Genes: PRSS1 (serine protease 1; plus strand), TRB (T cell receptor beta locus; plus strand). Cytogenetic location: 7q34.
Variant type: single nucleotide variant.
Coding change: c.182C>A on transcript NM_002769.5 (MANE Select); coding-DNA position 182, C replaced by A.
Protein change: p.Ala61Glu; replaces alanine 61 with glutamic acid.
Molecular consequence: missense variant. On other transcripts: non-coding transcript variant (4).
Genome position (GRCh38, 1-based): chr7:142,750,696, C>A. VCF-style: chr7-142750696-C-A. GRCh37 (hg19) VCF-style: chr7-142458547-C-A.
Other names: short protein forms A61E.
Identifiers: ClinVar variation 4145701 (VCV004145701.1).